The following is an entry in ClinVar:

ClinVar aggregate classification (germline): Likely pathogenic (1 of 4 stars; one submission).

Conditions:
Cystinuria (CSNU). Also called: Cystinuria, non-type I; CYSTINURIA, TYPE I; CYSTINURIA, TYPE II; CYSTINURIA, TYPE III. Identifiers: Orphanet 214, MedGen C0010691, MONDO:0009067, OMIM 220100, HP:0003131.

Submission:

3billion
Classification: Likely pathogenic for Cystinuria. Last evaluated: 2026-01-07. Review status: criteria provided, single submitter. Criteria: ACMG Guidelines, 2015. Collection method: clinical testing. Allele origin: germline. Affected: yes.
Comment: The variant is not observed in the gnomAD v4.1.0 dataset. Predicted Consequence/Location: Missense variant In silico tool predictions suggest damaging effect of the variant on gene or gene product [REVEL: 0.81 (>=0.6, sensitivity 0.68 and specificity 0.92)]. The same nucleotide change resulting in the same amino acid change has been previously reported to be associated with SLC7A9-related disorder (PMID: 20052367 /3billion dataset). The variant has been reported to be in trans with a pathogenic variant as either compound heterozygous or homozygous in at least one similarly affected unrelated individual (3billion dataset). Therefore, this variant is classified as Likely pathogenic according to the recommendation of ACMG/AMP guideline.

Literature cited by the submitters: PubMed 20052367.

NM_014270.5(SLC7A9):c.517G>A (p.Gly173Arg)

Gene: SLC7A9 (solute carrier family 7 member 9; minus strand). Cytogenetic location: 19q13.11.
Variant type: single nucleotide variant.
Coding change: c.517G>A on transcript NM_014270.5 (MANE Select); coding-DNA position 517, G replaced by A.
Protein change: p.Gly173Arg; replaces glycine 173 with arginine.
Molecular consequence: missense variant.
Genome position (GRCh38, 1-based): chr19:32,862,548, C>T on the plus strand (G>A on the coding strand, the complement: SLC7A9 is on the minus strand). VCF-style: chr19-32862548-C-T. GRCh37 (hg19) VCF-style: chr19-33353454-C-T.
Other names: c.517G>A, p.Gly173Arg (NM_001126335.2, NM_001243036.2); short protein forms G173R.
Identifiers: ClinVar variation 4855657 (VCV004855657.1).